The following is an entry in ClinVar:

ClinVar aggregate classification (germline): Conflicting classifications of pathogenicity. Review status: criteria provided, conflicting classifications (1 of 4 stars). 4 submissions from 4 submitters: Uncertain significance (2); Likely benign (2). Last evaluated 2025-09-10.

Conditions:
Intellectual developmental disorder, autosomal dominant 43. Also called: Intellectual disability, autosomal dominant 43. Identifiers: MedGen C4707429, MONDO:0014858, OMIM 616977.

Allele frequency attached by ClinVar (database versions not stated): gnomAD 0.00001; TOPMed 0.00001; gnomAD exomes 0.00001.
gnomAD v4.1: 12 of 1,614,096 alleles (0.00074%); highest among the groups gnomAD compares: East Asian, 0.0022%; no homozygotes.

Submissions (4):

Genomic Medicine Center of Excellence, King Faisal Specialist Hospital and Research Centre
Classification: Uncertain significance for Intellectual developmental disorder, autosomal dominant 43. Last evaluated: 2025-09-10. Review status: criteria provided, single submitter. Criteria: ACMG Guidelines, 2015. Collection method: clinical testing. Allele origin: germline.

CeGaT Center for Human Genetics Tuebingen
Classification: Likely benign. Last evaluated: 2024-11-01. Review status: criteria provided, single submitter. Criteria: CeGaT Center For Human Genetics Tuebingen Variant Classification Criteria Version 2. Collection method: clinical testing. Allele origin: germline. Affected: yes. Observed: 1 variant allele.
Comment: HIVEP2: BS1

Labcorp Genetics (formerly Invitae), Labcorp
Classification: Likely benign. Last evaluated: 2022-09-06. Review status: criteria provided, single submitter. Criteria: Invitae Variant Classification Sherloc (09022015). Collection method: clinical testing. Allele origin: germline.

Molecular Genetics Lab, CHRU Brest
Classification: Uncertain significance for Intellectual developmental disorder, autosomal dominant 43. Review status: criteria provided, single submitter. Criteria: ACMG Guidelines, 2015. Collection method: clinical testing. Allele origin: de novo. Affected: yes.

NM_006734.4(HIVEP2):c.2893C>T (p.Arg965Cys)

Gene: HIVEP2 (HIVEP zinc finger 2; minus strand). Cytogenetic location: 6q24.2.
Variant type: single nucleotide variant.
Coding change: c.2893C>T on transcript NM_006734.4 (MANE Select); coding-DNA position 2893, C replaced by T.
Protein change: p.Arg965Cys; replaces arginine 965 with cysteine.
Molecular consequence: missense variant.
Genome position (GRCh38, 1-based): chr6:142,771,846, G>A on the plus strand (C>T on the coding strand, the complement: HIVEP2 is on the minus strand). VCF-style: chr6-142771846-G-A. GRCh37 (hg19) VCF-style: chr6-143092983-G-A.
Other names: c.2893C>T (NM_006734.3); short protein forms R965C.
Identifiers: ClinVar variation 2049549 (VCV002049549.20), dbSNP rs1428030956, ClinGen allele CA365907859.